The following is an entry in ClinVar:

NM_000083.3(CLCN1):c.2284+42G>A

Gene: CLCN1 (chloride voltage-gated channel 1; plus strand). Cytogenetic location: 7q34.
Variant type: single nucleotide variant.
Coding change: c.2284+42G>A on transcript NM_000083.3 (MANE Select); 42 bases into the intron after coding-DNA position 2284, G replaced by A.
Molecular consequence: intron variant.
Genome position (GRCh38, 1-based): chr7:143,346,293, G>A. VCF-style: chr7-143346293-G-A. GRCh37 (hg19) VCF-style: chr7-143043386-G-A.
Identifiers: ClinVar variation 672927 (VCV000672927.2), dbSNP rs79078881, ClinGen allele CA4537620.

ClinVar aggregate classification (germline): Likely benign. Review status: criteria provided, multiple submitters, no conflicts (2 of 4 stars). 2 submissions from 2 submitters: Likely benign (2). Last evaluated 2018-06-16.

Allele frequency attached by ClinVar (database versions not stated): 1000 Genomes Project 0.00220; 1000 Genomes Project 30x 0.00250; TOPMed 0.00407; ESP Exome Variant Server 0.00515; gnomAD 0.00581 and 0.00603; gnomAD exomes 0.00650 and 0.00688; ExAC 0.00737.
gnomAD v4.1: 8,466 of 1,321,984 alleles (0.64%); highest among the groups gnomAD compares: Non-Finnish European, 0.67%; 51 homozygotes.

Submissions (2):

GeneDx
Classification: Likely benign. Last evaluated: 2018-06-16. Review status: criteria provided, single submitter. Criteria: GeneDx Variant Classification (06012015). Collection method: clinical testing. Allele origin: germline. Affected: yes.
Comment: This variant is considered likely benign or benign based on one or more of the following criteria: it is a conservative change, it occurs at a poorly conserved position in the protein, it is predicted to be benign by multiple in silico algorithms, and/or has population frequency not consistent with disease.

Breakthrough Genomics
Classification: Likely benign. Review status: criteria provided, single submitter. Criteria: ACMG Guidelines, 2015. Collection method: not provided. Allele origin: germline. Inheritance: Autosomal recessive inheritance. Affected: yes.